The following is an entry in ClinVar:

ClinVar aggregate classification (germline): Uncertain significance. Review status: criteria provided, multiple submitters, no conflicts (2 of 4 stars). 2 submissions from 2 submitters: Uncertain significance (2). Last evaluated 2024-10-20.

Conditions:
Hereditary cancer-predisposing syndrome. Also called: Neoplastic Syndromes, Hereditary; Hereditary Cancer Syndrome; Hereditary neoplastic syndrome; Tumor predisposition. Identifiers: Orphanet 140162, MedGen C0027672, MeSH D009386, MONDO:0015356.
Peutz-Jeghers syndrome (PJS). Also called: Peutz-Jeghers polyposis; Periorificial lentiginosis syndrome; POLYPOSIS, HAMARTOMATOUS INTESTINAL; POLYPS-AND-SPOTS SYNDROME. Identifiers: Orphanet 2869, MedGen C0031269, MeSH D010580, MONDO:0008280, OMIM 175200.

Submissions (2):

Ambry Genetics
Classification: Uncertain significance for Hereditary cancer-predisposing syndrome. Last evaluated: 2024-10-20. Review status: criteria provided, single submitter. Criteria: Ambry Variant Classification Scheme 2023. Collection method: clinical testing. Allele origin: germline.
Comment: The p.L50V variant (also known as c.148C>G), located in coding exon 1 of the STK11 gene, results from a C to G substitution at nucleotide position 148. The leucine at codon 50 is replaced by valine, an amino acid with highly similar properties. This amino acid position is conserved. In addition, this alteration is predicted to be tolerated by in silico analysis. Based on the available evidence, the clinical significance of this variant remains unclear.

Labcorp Genetics (formerly Invitae), Labcorp
Classification: Uncertain significance for Peutz-Jeghers syndrome. Last evaluated: 2023-05-25. Review status: criteria provided, single submitter. Criteria: Invitae Variant Classification Sherloc (09022015). Collection method: clinical testing. Allele origin: germline.
Comment: ClinVar contains an entry for this variant (Variation ID: 2194094). In summary, the available evidence is currently insufficient to determine the role of this variant in disease. Therefore, it has been classified as a Variant of Uncertain Significance. Advanced modeling of protein sequence and biophysical properties (such as structural, functional, and spatial information, amino acid conservation, physicochemical variation, residue mobility, and thermodynamic stability) performed at Invitae indicates that this missense variant is not expected to disrupt STK11 protein function. This variant has not been reported in the literature in individuals affected with STK11-related conditions. This variant is not present in population databases (gnomAD no frequency). This sequence change replaces leucine, which is neutral and non-polar, with valine, which is neutral and non-polar, at codon 50 of the STK11 protein (p.Leu50Val).

NM_000455.5(STK11):c.148C>G (p.Leu50Val)

Gene: STK11 (serine/threonine kinase 11; plus strand). Cytogenetic location: 19p13.3.
Variant type: single nucleotide variant.
Coding change: c.148C>G on transcript NM_000455.5 (MANE Select); coding-DNA position 148, C replaced by G.
Protein change: p.Leu50Val; replaces leucine 50 with valine.
Molecular consequence: missense variant.
Genome position (GRCh38, 1-based): chr19:1,207,061, C>G. VCF-style: chr19-1207061-C-G. GRCh37 (hg19) VCF-style: chr19-1207060-C-G.
Other names: c.148C>G, p.Leu50Val (NM_001407255.1); short protein forms L50V.
Identifiers: ClinVar variation 2194094 (VCV002194094.5), dbSNP rs2145405165, ClinGen allele CA402944067.
Genomic context (GRCh38, chr19:1,207,061, plus strand): 5'-GACTCCACCGAGGTCATCTACCAGCCGCGCCGCAAGCGGGCCAAGCTCATCGGCAAGTAC[C>G]TGATGGGGGACCTGCTGGGGGAAGGCTCTTACGGCAAGGTGAAGGAGGTGCTGGACTCGG-3'
Protein context (NP_000446.1, residues 40-60): RKRAKLIGKY[Leu50Val]MGDLLGEGSY